The following is an entry in ClinVar:

ClinVar aggregate classification (germline): Uncertain significance (1 of 4 stars; one submission).

Conditions:
Hypertrophic cardiomyopathy. Also called: HYPERTROPHIC MYOCARDIOPATHY. Identifiers: Orphanet 217569, MedGen C0007194, MeSH D002312, MONDO:0005045, HP:0001639.

Allele frequency attached by ClinVar (database versions not stated): gnomAD exomes below 0.00001.
gnomAD v4.1: 3 of 1,612,750 alleles (0.00019%); highest among the groups gnomAD compares: Non-Finnish European, 0.00025%; no homozygotes.

Submission:

Labcorp Genetics (formerly Invitae), Labcorp
Classification: Uncertain significance for Hypertrophic cardiomyopathy. Last evaluated: 2019-10-02. Review status: criteria provided, single submitter. Criteria: Invitae Variant Classification Sherloc (09022015). Collection method: clinical testing. Allele origin: germline.
Comment: This sequence change replaces lysine with threonine at codon 296 of the JPH2 protein (p.Lys296Thr). The lysine residue is highly conserved and there is a moderate physicochemical difference between lysine and threonine. This variant is not present in population databases (ExAC no frequency). This variant has not been reported in the literature in individuals with JPH2-related conditions. Algorithms developed to predict the effect of missense changes on protein structure and function are either unavailable or do not agree on the potential impact of this missense change (SIFT: "Deleterious"; PolyPhen-2: "Probably Damaging"; Align-GVGD: "Class C0"). In summary, the available evidence is currently insufficient to determine the role of this variant in disease. Therefore, it has been classified as a Variant of Uncertain Significance.

NM_020433.5(JPH2):c.887A>C (p.Lys296Thr)

Gene: JPH2 (junctophilin 2; minus strand). Cytogenetic location: 20q13.12.
Variant type: single nucleotide variant.
Coding change: c.887A>C on transcript NM_020433.5 (MANE Select); coding-DNA position 887, A replaced by C.
Protein change: p.Lys296Thr; replaces lysine 296 with threonine.
Molecular consequence: missense variant.
Genome position (GRCh38, 1-based): chr20:44,159,900, T>G on the plus strand (A>C on the coding strand, the complement: JPH2 is on the minus strand). VCF-style: chr20-44159900-T-G. GRCh37 (hg19) VCF-style: chr20-42788540-T-G.
Other names: short protein forms K296T.
Identifiers: ClinVar variation 660829 (VCV000660829.10), dbSNP rs1600857521, ClinGen allele CA409093461.